The following is an entry in ClinVar:

ClinVar aggregate classification (germline): Uncertain significance (1 of 4 stars; one submission).

gnomAD v4.1: 5 of 1,613,914 alleles (0.00031%); highest among the groups gnomAD compares: East Asian, 0.011%; no homozygotes.

Submission:

Labcorp Genetics (formerly Invitae), Labcorp
Classification: Uncertain significance. Last evaluated: 2025-02-24. Review status: criteria provided, single submitter. Criteria: Invitae Variant Classification Sherloc (09022015). Collection method: clinical testing. Allele origin: germline.
Comment: This sequence change replaces aspartic acid, which is acidic and polar, with valine, which is neutral and non-polar, at codon 711 of the DCHS1 protein (p.Asp711Val). This variant is present in population databases (no rsID available, gnomAD 0.006%). This variant has not been reported in the literature in individuals affected with DCHS1-related conditions. Invitae Evidence Modeling of protein sequence and biophysical properties (such as structural, functional, and spatial information, amino acid conservation, physicochemical variation, residue mobility, and thermodynamic stability) indicates that this missense variant is not expected to disrupt DCHS1 protein function with a negative predictive value of 80%. In summary, the available evidence is currently insufficient to determine the role of this variant in disease. Therefore, it has been classified as a Variant of Uncertain Significance.

NM_003737.4(DCHS1):c.2132A>T (p.Asp711Val)

Gene: DCHS1 (dachsous cadherin-related 1; minus strand). Cytogenetic location: 11p15.4.
Variant type: single nucleotide variant.
Coding change: c.2132A>T on transcript NM_003737.4 (MANE Select); coding-DNA position 2132, A replaced by T.
Protein change: p.Asp711Val; replaces aspartic acid 711 with valine.
Molecular consequence: missense variant.
Genome position (GRCh38, 1-based): chr11:6,633,875, T>A on the plus strand (A>T on the coding strand, the complement: DCHS1 is on the minus strand). VCF-style: chr11-6633875-T-A. GRCh37 (hg19) VCF-style: chr11-6655106-T-A.
Other names: short protein forms D711V.
Identifiers: ClinVar variation 4811455 (VCV004811455.1).